The following is an entry in ClinVar:

ClinVar aggregate classification (germline): Uncertain significance (1 of 4 stars; one submission).

Conditions:
Combined immunodeficiency due to DOCK8 deficiency (HIES2). Also called: Hyper-IgE recurrent infection syndrome, autosomal recessive; HIES autosomal recessive; DOCK8 Deficiency; HYPER-IgE RECURRENT INFECTION SYNDROME 2, AUTOSOMAL RECESSIVE; HYPER-IgE SYNDROME 2, AUTOSOMAL RECESSIVE, WITH RECURRENT INFECTIONS. Identifiers: Orphanet 217390, MedGen C4722305, MONDO:0009478, OMIM 243700.

Submission:

Labcorp Genetics (formerly Invitae), Labcorp
Classification: Uncertain significance for Combined immunodeficiency due to DOCK8 deficiency. Last evaluated: 2021-06-28. Review status: criteria provided, single submitter. Criteria: Invitae Variant Classification Sherloc (09022015). Collection method: clinical testing. Allele origin: germline.
Comment: Nucleotide substitutions within the consensus splice site are a relatively common cause of aberrant splicing (PMID: 17576681, 9536098). Algorithms developed to predict the effect of sequence changes on RNA splicing suggest that this variant may disrupt the consensus splice site, but this prediction has not been confirmed by published transcriptional studies. This sequence change falls in intron 6 of the DOCK8 gene. It does not directly change the encoded amino acid sequence of the DOCK8 protein. It affects a nucleotide within the consensus splice site of the intron. This variant is not present in population databases (ExAC no frequency). This variant has not been reported in the literature in individuals with DOCK8-related conditions. In summary, the available evidence is currently insufficient to determine the role of this variant in disease. Therefore, it has been classified as a Variant of Uncertain Significance.

Literature cited by the submitters: PubMed 17576681; PubMed 9536098.

NM_203447.4(DOCK8):c.741+5G>C

Gene: DOCK8 (dedicator of cytokinesis 8; plus strand). Cytogenetic location: 9p24.3.
Variant type: single nucleotide variant.
Coding change: c.741+5G>C on transcript NM_203447.4 (MANE Select); 5 bases into the intron after coding-DNA position 741, G replaced by C.
Molecular consequence: intron variant.
Genome position (GRCh38, 1-based): chr9:312,171, G>C. VCF-style: chr9-312171-G-C. GRCh37 (hg19) VCF-style: chr9-312171-G-C.
Other names: c.537+5G>C (NM_001193536.2, NM_001190458.2).
Identifiers: ClinVar variation 1509591 (VCV001509591.6), dbSNP rs1325284249, ClinGen allele CA2573144448.
Genomic context (GRCh38, chr9:312,171, plus strand): 5'-CCCGGAGGACCAATAGGCAGGCCGAGCTCTTTGCCCTTTACCCATCAGTGGACGAGGTGG[G>C]TGCCACTGTTTCCATACTGGAGAATCTCAGTGAAGACTCTGAGAGTCATGTGGACAATTG-3'